The following is an entry in ClinVar:

NM_001364905.1(LRBA):c.8284C>T (p.Gln2762Ter)

Gene: LRBA (LPS responsive beige-like anchor protein; minus strand). Cytogenetic location: 4q31.3.
Variant type: single nucleotide variant.
Coding change: c.8284C>T on transcript NM_001364905.1 (MANE Select); coding-DNA position 8284, C replaced by T.
Protein change: p.Gln2762Ter; replaces glutamine 2762 with a stop codon.
Molecular consequence: nonsense.
Genome position (GRCh38, 1-based): chr4:150,282,482, G>A on the plus strand (C>T on the coding strand, the complement: LRBA is on the minus strand). VCF-style: chr4-150282482-G-A. GRCh37 (hg19) VCF-style: chr4-151203634-G-A.
Other names: c.8281C>T, p.Gln2761Ter (NM_001199282.3); c.8299C>T, p.Gln2767Ter (NM_001367550.1, NM_001440431.1); c.8332C>T, p.Gln2778Ter (NM_001440430.1); c.2002C>T, p.Gln668Ter (NM_001440432.1); c.1996C>T, p.Gln666Ter (NM_001440433.1); c.8317C>T, p.Gln2773Ter (NM_006726.5); short protein forms Q2778*, Q666*, Q2761*, Q2762*, Q2767*, Q2773*, Q668*.
Identifiers: ClinVar variation 4731248 (VCV004731248.1).

ClinVar aggregate classification (germline): Pathogenic (1 of 4 stars; one submission).

Conditions:
Combined immunodeficiency due to LRBA deficiency. Also called: Common variable immunodeficiency 8, with autoimmunity. Identifiers: Orphanet 445018, MedGen C3553512, MONDO:0013863, OMIM 614700.

gnomAD v4.1: 2 of 1,614,030 alleles (0.00012%); highest among the groups gnomAD compares: East Asian, 0.0022%; no homozygotes.

Submission:

Labcorp Genetics (formerly Invitae), Labcorp
Classification: Pathogenic for Combined immunodeficiency due to LRBA deficiency. Last evaluated: 2025-11-23. Review status: criteria provided, single submitter. Criteria: Invitae Variant Classification Sherloc (09022015). Collection method: clinical testing. Allele origin: germline.
Comment: This sequence change creates a premature translational stop signal (p.Gln2773*) in the LRBA gene. It is expected to result in an absent or disrupted protein product. Loss-of-function variants in LRBA are known to be pathogenic (PMID: 26206937, 26768763). This variant is not present in population databases (gnomAD no frequency). This variant has not been reported in the literature in individuals affected with LRBA-related conditions. For these reasons, this variant has been classified as Pathogenic.

Literature cited by the submitters: PubMed 26206937; PubMed 26768763.